The following is an entry in ClinVar:

ClinVar aggregate classification (germline): Conflicting classifications of pathogenicity. Review status: criteria provided, conflicting classifications (1 of 4 stars). 3 submissions from 3 submitters: Uncertain significance (1); Likely benign (1). 1 of the submissions does not count toward it. Last evaluated 2026-01-12.

Conditions:
COL7A1-related disorder. Also called: COL7A1-related condition; COL7A1- related disorders.
Epidermolysis bullosa dystrophica inversa, autosomal recessive. Identifiers: MedGen C2673612.

Allele frequency attached by ClinVar (database versions not stated): gnomAD 0.00001; TOPMed 0.00006; ExAC 0.00014.
gnomAD v4.1: 50 of 1,613,172 alleles (0.0031%); highest among the groups gnomAD compares: Admixed American, 0.058%; no homozygotes.

Submissions (3):

Labcorp Genetics (formerly Invitae), Labcorp
Classification: Likely benign. Last evaluated: 2026-01-12. Review status: criteria provided, single submitter. Criteria: Invitae Variant Classification Sherloc (09022015). Collection method: clinical testing. Allele origin: germline.

PreventionGenetics, part of Exact Sciences
Classification: Uncertain significance for COL7A1-related condition. Last evaluated: 2025-02-04. Review status: criteria provided, single submitter. Criteria: ACMG Guidelines, 2015. Collection method: clinical testing. Allele origin: germline.
Comment: The COL7A1 c.2968C>T variant is predicted to result in the amino acid substitution p.Arg990Trp. To our knowledge, this variant has not been reported in the literature. This variant is reported in 0.084% of alleles in individuals of Latino descent in gnomAD, which is likely too common for an undocumented disease-causing variant. Although we suspect that this variant may be benign, at this time, the clinical significance of this variant is uncertain due to the absence of conclusive functional and genetic evidence.

Natera, Inc.
Classification: Uncertain significance for Autosomal recessive epidermolysis bullosa dystrophica inversa. Last evaluated: 2020-10-07. Review status: no assertion criteria provided. Collection method: clinical testing. Allele origin: germline. Not counted in ClinVar's aggregate classification.

NM_000094.4(COL7A1):c.2968C>T (p.Arg990Trp)

Gene: COL7A1 (collagen type VII alpha 1 chain; minus strand). Cytogenetic location: 3p21.31.
Variant type: single nucleotide variant.
Coding change: c.2968C>T on transcript NM_000094.4 (MANE Select); coding-DNA position 2968, C replaced by T.
Protein change: p.Arg990Trp; replaces arginine 990 with tryptophan.
Molecular consequence: missense variant.
Genome position (GRCh38, 1-based): chr3:48,587,444, G>A on the plus strand (C>T on the coding strand, the complement: COL7A1 is on the minus strand). VCF-style: chr3-48587444-G-A. GRCh37 (hg19) VCF-style: chr3-48624877-G-A.
Other names: c.2968C>T (NM_000094.3); short protein forms R990W.
Identifiers: ClinVar variation 990200 (VCV000990200.9), dbSNP rs763751979, ClinGen allele CA2380686.
Genomic context (GRCh38, chr3:48,587,444, plus strand): 5'-ACTGCCAGCCCACCCAAATCCTGGCCTCCCCCTCACCCTGGCCAGGGCCTCTGAGTGGCC[G>A]CCAGGATAGGATGTAGCTGGATGCCCTGGACACTGGAGTCCAGGCCAAAGTCACCGAGTC-3'
Protein context (NP_000085.1, residues 980-1000): SRASSYILSW[Arg990Trp]PLRGPGQEVP